The following is an entry in ClinVar:

NM_004523.4(KIF11):c.573+4A>G

Gene: KIF11 (kinesin family member 11; plus strand). Cytogenetic location: 10q23.33.
Variant type: single nucleotide variant.
Coding change: c.573+4A>G on transcript NM_004523.4 (MANE Select); 4 bases into the intron after coding-DNA position 573, A replaced by G.
Molecular consequence: intron variant.
Genome position (GRCh38, 1-based): chr10:92,609,209, A>G. VCF-style: chr10-92609209-A-G. GRCh37 (hg19) VCF-style: chr10-94368966-A-G.
Identifiers: ClinVar variation 960268 (VCV000960268.9), dbSNP rs747459914, ClinGen allele CA5604016.

ClinVar aggregate classification (germline): Conflicting classifications of pathogenicity. Review status: criteria provided, conflicting classifications (1 of 4 stars). 3 submissions from 3 submitters: Uncertain significance (1); Likely benign (2). Last evaluated 2025-10-17.

Conditions:
KIF11-related disorder. Also called: KIF11-related condition.

Allele frequency attached by ClinVar (database versions not stated): ExAC 0.00004; gnomAD exomes 0.00005; gnomAD 0.00006.
gnomAD v4.1: 133 of 1,558,500 alleles (0.0085%); highest among the groups gnomAD compares: Non-Finnish European, 0.011%; no homozygotes.

Submissions (3):

Labcorp Genetics (formerly Invitae), Labcorp
Classification: Uncertain significance. Last evaluated: 2025-10-17. Review status: criteria provided, single submitter. Criteria: Invitae Variant Classification Sherloc (09022015). Collection method: clinical testing. Allele origin: germline.
Comment: This sequence change falls in intron 5 of the KIF11 gene. It does not directly change the encoded amino acid sequence of the KIF11 protein. It affects a nucleotide within the consensus splice site. This variant is present in population databases (rs747459914, gnomAD 0.008%). This variant has not been reported in the literature in individuals affected with KIF11-related conditions. ClinVar contains an entry for this variant (Variation ID: 960268). Variants that disrupt the consensus splice site are a relatively common cause of aberrant splicing (PMID: 17576681, 9536098). Algorithms developed to predict the effect of sequence changes on RNA splicing suggest that this variant is not likely to affect RNA splicing. In summary, the available evidence is currently insufficient to determine the role of this variant in disease. Therefore, it has been classified as a Variant of Uncertain Significance.

PreventionGenetics, part of Exact Sciences
Classification: Likely benign for KIF11-related condition. Last evaluated: 2025-05-12. Review status: criteria provided, single submitter. Criteria: ACMG Guidelines, 2015. Collection method: clinical testing. Allele origin: germline.
Comment: This variant is classified as likely benign based on ACMG/AMP sequence variant interpretation guidelines (Richards et al. 2015 PMID: 25741868, with internal and published modifications).

Blueprint Genetics
Classification: Likely benign. Last evaluated: 2024-09-10. Review status: criteria provided, single submitter. Criteria: ACMG Guidelines, 2015. Collection method: clinical testing. Allele origin: germline.

Literature cited by the submitters: PubMed 17576681 (cited by Labcorp Genetics (formerly Invitae), Labcorp); PubMed 9536098 (cited by Labcorp Genetics (formerly Invitae), Labcorp).